The following is an entry in ClinVar:

NM_005045.4(RELN):c.89A>G (p.Tyr30Cys)

Gene: RELN (reelin; minus strand). Cytogenetic location: 7q22.1.
Variant type: single nucleotide variant.
Coding change: c.89A>G on transcript NM_005045.4 (MANE Select); coding-DNA position 89, A replaced by G.
Protein change: p.Tyr30Cys; replaces tyrosine 30 with cysteine.
Molecular consequence: missense variant.
Genome position (GRCh38, 1-based): chr7:103,989,268, T>C on the plus strand (A>G on the coding strand, the complement: RELN is on the minus strand). VCF-style: chr7-103989268-T-C. GRCh37 (hg19) VCF-style: chr7-103629715-T-C.
Other names: c.89A>G, p.Tyr30Cys (NM_173054.3); short protein forms Y30C.
Identifiers: ClinVar variation 2950182 (VCV002950182.3), dbSNP rs2484918138, ClinGen allele CA368931500.

ClinVar aggregate classification (germline): Uncertain significance (1 of 4 stars; one submission).

Conditions:
Norman-Roberts syndrome (LIS2). Also called: Lissencephaly 2 (Norman-Roberts type). Identifiers: Orphanet 89844, MedGen C0796089, MONDO:0009760, OMIM 257320.
Familial temporal lobe epilepsy 7. Identifiers: Orphanet 101046, MedGen C4225327, MONDO:0014639, OMIM 616436.

Submission:

Labcorp Genetics (formerly Invitae), Labcorp
Classification: Uncertain significance for Familial temporal lobe epilepsy 7; Norman-Roberts syndrome. Last evaluated: 2023-07-22. Review status: criteria provided, single submitter. Criteria: Invitae Variant Classification Sherloc (09022015). Collection method: clinical testing. Allele origin: germline.
Comment: This sequence change replaces tyrosine, which is neutral and polar, with cysteine, which is neutral and slightly polar, at codon 30 of the RELN protein (p.Tyr30Cys). This variant is not present in population databases (gnomAD no frequency). This variant has not been reported in the literature in individuals affected with RELN-related conditions. Advanced modeling of protein sequence and biophysical properties (such as structural, functional, and spatial information, amino acid conservation, physicochemical variation, residue mobility, and thermodynamic stability) performed at Invitae indicates that this missense variant is not expected to disrupt RELN protein function. In summary, the available evidence is currently insufficient to determine the role of this variant in disease. Therefore, it has been classified as a Variant of Uncertain Significance.